The following is an entry in ClinVar:

ClinVar aggregate classification (germline): Uncertain significance. Review status: criteria provided, multiple submitters, no conflicts (2 of 4 stars). 2 submissions from 2 submitters: Uncertain significance (2). Last evaluated 2025-11-16.

Allele frequency attached by ClinVar (database versions not stated): ExAC 0.00003; gnomAD 0.00004; TOPMed 0.00004; gnomAD exomes 0.00005.
gnomAD v4.1: 87 of 1,613,858 alleles (0.0054%); highest among the groups gnomAD compares: South Asian, 0.0077%; no homozygotes.

Submissions (2):

Labcorp Genetics (formerly Invitae), Labcorp
Classification: Uncertain significance. Last evaluated: 2025-11-16. Review status: criteria provided, single submitter. Criteria: Invitae Variant Classification Sherloc (09022015). Collection method: clinical testing. Allele origin: germline.
Comment: This sequence change replaces tyrosine, which is neutral and polar, with cysteine, which is neutral and slightly polar, at codon 280 of the DYNC1I1 protein (p.Tyr280Cys). This variant is present in population databases (rs746551909, gnomAD 0.01%). This variant has not been reported in the literature in individuals affected with DYNC1I1-related conditions. ClinVar contains an entry for this variant (Variation ID: 2386378). An algorithm developed to predict the effect of missense changes on protein structure and function (PolyPhen-2) suggests that this variant is likely to be disruptive. In summary, the available evidence is currently insufficient to determine the role of this variant in disease. Therefore, it has been classified as a Variant of Uncertain Significance.

Ambry Genetics
Classification: Uncertain significance. Last evaluated: 2025-06-16. Review status: criteria provided, single submitter. Criteria: Ambry Variant Classification Scheme 2023. Collection method: clinical testing. Allele origin: germline.

NM_001135556.2(DYNC1I1):c.788A>G (p.Tyr263Cys)

Gene: DYNC1I1 (dynein cytoplasmic 1 intermediate chain 1; plus strand). Cytogenetic location: 7q21.3.
Variant type: single nucleotide variant.
Coding change: c.788A>G on transcript NM_001135556.2 (MANE Select); coding-DNA position 788, A replaced by G.
Protein change: p.Tyr263Cys; replaces tyrosine 263 with cysteine.
Molecular consequence: missense variant.
Genome position (GRCh38, 1-based): chr7:95,987,100, A>G. VCF-style: chr7-95987100-A-G. GRCh37 (hg19) VCF-style: chr7-95616412-A-G.
Other names: c.728A>G, p.Tyr243Cys (NM_001135557.2, NM_001278422.2); c.779A>G, p.Tyr260Cys (NM_001278421.2); c.839A>G, p.Tyr280Cys (NM_004411.5); short protein forms Y260C, Y280C, Y263C, Y243C.
Identifiers: ClinVar variation 2386378 (VCV002386378.4), dbSNP rs746551909, ClinGen allele CA4352359.